The following is an entry in ClinVar:

NM_001130021.3(ATP6V0A1):c.788C>G (p.Thr263Ser)

Gene: ATP6V0A1 (ATPase H+ transporting V0 subunit a1; plus strand). Cytogenetic location: 17q21.2.
Variant type: single nucleotide variant.
Coding change: c.788C>G on transcript NM_001130021.3 (MANE Select); coding-DNA position 788, C replaced by G.
Protein change: p.Thr263Ser; replaces threonine 263 with serine.
Molecular consequence: missense variant.
Genome position (GRCh38, 1-based): chr17:42,483,109, C>G. VCF-style: chr17-42483109-C-G. GRCh37 (hg19) VCF-style: chr17-40635127-C-G.
Other names: c.809C>G, p.Thr270Ser (NM_001130020.3, NM_001378522.1, NM_001378523.1 and 3 more transcripts); c.911C>G, p.Thr304Ser (NM_001378530.1, NM_001378533.1, NM_001378551.1 and 1 more transcripts); c.932C>G, p.Thr311Ser (NM_001378531.1, NM_001378532.1); c.788C>G, p.Thr263Ser (NM_001378535.1, NM_001378537.1, NM_001378542.1 and 6 more transcripts); c.680C>G, p.Thr227Ser (NM_001378536.1, NM_001378550.1, NM_001378556.1); c.659C>G, p.Thr220Ser (NM_001378538.1, NM_001378540.1); c.629C>G, p.Thr210Ser (NM_001378543.1); c.578C>G, p.Thr193Ser (NM_001378545.1, NM_001378554.1); and 1 more; short protein forms T193S, T203S, T210S, T220S, T227S, T263S, T270S, T304S.
Identifiers: ClinVar variation 4975742 (VCV004975742.1).
Genomic context (GRCh38, chr17:42,483,109, plus strand): 5'-CACTCTATCCCTGTCCTGAGACACCACAGGAGAGGAAGGAAATGGCTTCTGGAGTGAATA[C>G]CAGGATTGATGATCTCCAAATGGTATGCAGAAGGCTGGAGGGAATTTGTTTTTGTGAAAT-3'
Protein context (NP_001123493.1, residues 253-273): ERKEMASGVN[Thr263Ser]RIDDLQMVLN

ClinVar aggregate classification (germline): Uncertain significance (1 of 4 stars; one submission).

Submission:

GeneDx
Classification: Uncertain significance. Last evaluated: 2026-01-27. Review status: criteria provided, single submitter. Criteria: GeneDx Variant Classification Process June 2021. Collection method: clinical testing. Allele origin: germline.
Comment: Not observed at significant frequency in large population cohorts (gnomAD); In silico analysis supports that this missense variant has a deleterious effect on protein structure/function; Has not been previously published as pathogenic or benign to our knowledge